The following is an entry in ClinVar:

ClinVar aggregate classification (germline): Uncertain significance (1 of 4 stars; one submission).

gnomAD v4.1: 1 of 1,613,778 alleles (0.000062%); no homozygotes.

Submission:

GeneDx
Classification: Uncertain significance. Last evaluated: 2025-04-26. Review status: criteria provided, single submitter. Criteria: GeneDx Variant Classification Process June 2021. Collection method: clinical testing. Allele origin: germline. Affected: yes.
Comment: Missense variants in this gene are a common cause of disease and they are underrepresented in the general population; In silico analysis indicates that this missense variant does not alter protein structure/function; Has not been previously published as pathogenic or benign to our knowledge; This variant is associated with the following publications: (PMID: 29493581)

NM_005633.4(SOS1):c.3892A>C (p.Thr1298Pro)

Gene: SOS1 (SOS Ras/Rac guanine nucleotide exchange factor 1; minus strand). Cytogenetic location: 2p22.1.
Variant type: single nucleotide variant.
Coding change: c.3892A>C on transcript NM_005633.4 (MANE Select); coding-DNA position 3892, A replaced by C.
Protein change: p.Thr1298Pro; replaces threonine 1298 with proline.
Molecular consequence: missense variant.
Genome position (GRCh38, 1-based): chr2:38,985,934, T>G on the plus strand (A>C on the coding strand, the complement: SOS1 is on the minus strand). VCF-style: chr2-38985934-T-G. GRCh37 (hg19) VCF-style: chr2-39213075-T-G.
Other names: c.3871A>C, p.Thr1291Pro (NM_001382394.1); c.3847A>C, p.Thr1283Pro (NM_001382395.1); short protein forms T1283P, T1291P, T1298P.
Identifiers: ClinVar variation 4527582 (VCV004527582.1).